The following is an entry in ClinVar:

ClinVar aggregate classification (germline): Uncertain significance (1 of 4 stars; one submission).

Conditions:
Short-rib thoracic dysplasia 11 with or without polydactyly (SRTD11). Also called: SHORT-RIB THORACIC DYSPLASIA 11 WITHOUT POLYDACTYLY. Identifiers: Orphanet 474, Orphanet 93271, MedGen C3810200, MONDO:0014287, OMIM 615633.

Allele frequency attached by ClinVar (database versions not stated): TOPMed below 0.00001; gnomAD 0.00001.
gnomAD v4.1: 1 of 1,612,224 alleles (0.000062%); highest among the groups gnomAD compares: African/African-American, 0.0013%; no homozygotes.

Submission:

Labcorp Genetics (formerly Invitae), Labcorp
Classification: Uncertain significance for Short-rib thoracic dysplasia 11 with or without polydactyly. Last evaluated: 2022-05-07. Review status: criteria provided, single submitter. Criteria: Invitae Variant Classification Sherloc (09022015). Collection method: clinical testing. Allele origin: germline.
Comment: In summary, the available evidence is currently insufficient to determine the role of this variant in disease. Therefore, it has been classified as a Variant of Uncertain Significance. Algorithms developed to predict the effect of missense changes on protein structure and function are either unavailable or do not agree on the potential impact of this missense change (SIFT: "Deleterious"; PolyPhen-2: "Benign"; Align-GVGD: "Class C0"). This variant has not been reported in the literature in individuals affected with WDR34-related conditions. This variant is not present in population databases (gnomAD no frequency). This sequence change replaces alanine, which is neutral and non-polar, with serine, which is neutral and polar, at codon 370 of the WDR34 protein (p.Ala370Ser).

NM_052844.4(DYNC2I2):c.1108G>T (p.Ala370Ser)

Genes: DYNC2I2 (dynein 2 intermediate chain 2; minus strand), LOC126860772 (CDK7 strongly-dependent group 2 enhancer GRCh37_chr9:131396972-131398171; plus strand). Cytogenetic location: 9q34.11.
Variant type: single nucleotide variant.
Coding change: c.1108G>T on transcript NM_052844.4 (MANE Select); coding-DNA position 1108, G replaced by T.
Protein change: p.Ala370Ser; replaces alanine 370 with serine.
Molecular consequence: missense variant.
Genome position (GRCh38, 1-based): chr9:128,634,795, C>A on the plus strand (G>T on the coding strand, the complement: DYNC2I2 is on the minus strand). VCF-style: chr9-128634795-C-A. GRCh37 (hg19) VCF-style: chr9-131397074-C-A.
Other names: short protein forms A370S.
Identifiers: ClinVar variation 2135097 (VCV002135097.4), dbSNP rs1860343480, ClinGen allele CA375112870.